The following is an entry in ClinVar:

NM_000038.6(APC):c.824_825delinsA (p.Gly275fs)

Gene: APC (APC regulator of Wnt signaling pathway; plus strand). Cytogenetic location: 5q22.2.
Variant type: Indel.
Coding change: c.824_825delinsA on transcript NM_000038.6 (MANE Select); coding-DNA positions 824 to 825, GT replaced by A.
Protein change: p.Gly275fs; shifts the reading frame from glycine 275.
Molecular consequence: frameshift variant. On other transcripts: non-coding transcript variant (2), 5 prime UTR variant (4).
Genome position (GRCh38, 1-based): chr5:112,801,373-112,801,374, GT replaced by A. VCF-style: chr5-112801373-GT-A. GRCh37 (hg19) VCF-style: chr5-112137070-GT-A.
Other names: c.824_825delinsA (NM_000038.5); c.824_825delGTinsA (NM_000038.5); c.824_825delinsA, p.Gly275fs (NM_001127510.3, NM_001354895.2, NM_001354896.2 and 12 more transcripts); c.770_771delinsA, p.Gly257fs (NM_001127511.3); c.854_855delinsA, p.Gly285fs (NM_001354897.2, NM_001354902.2, NM_001407446.1); c.749_750delinsA, p.Gly250fs (NM_001354898.2, NM_001354904.2, NM_001407451.1); c.740_741delinsA, p.Gly247fs (NM_001354899.2, NM_001407452.1, NM_001407467.1 and 1 more transcripts); c.647_648delinsA, p.Gly216fs (NM_001354900.2, NM_001354901.2, NM_001354905.2 and 1 more transcripts); and 1 more; short protein forms G216fs, G247fs, G250fs, G257fs, G275fs, G285fs.
Identifiers: ClinVar variation 2584047 (VCV002584047.3), dbSNP rs2532756727, ClinGen allele CA2582341414.

ClinVar aggregate classification (germline): Pathogenic/Likely pathogenic. Review status: criteria provided, multiple submitters, no conflicts (2 of 4 stars). 3 submissions from 3 submitters: Pathogenic (2); Likely pathogenic (1). Last evaluated 2024-09-24.

Conditions:
Familial adenomatous polyposis 1 (FAP1). Also called: FAMILIAL ADENOMATOUS POLYPOSIS 1, ATTENUATED; POLYPOSIS, ADENOMATOUS INTESTINAL. Identifiers: MedGen C2713442, MONDO:0021056, OMIM 175100. Disease mechanism: loss of function.
Hereditary cancer-predisposing syndrome. Also called: Hereditary neoplastic syndrome; Tumor predisposition; Hereditary Cancer Syndrome; Neoplastic Syndromes, Hereditary. Identifiers: Orphanet 140162, MedGen C0027672, MeSH D009386, MONDO:0015356.

Submissions (3):

Quest Diagnostics Nichols Institute San Juan Capistrano
Classification: Likely pathogenic. Last evaluated: 2024-09-24. Review status: criteria provided, single submitter. Criteria: Quest Diagnostics criteria. Collection method: clinical testing. Allele origin: unknown.
Comment: The APC c.824_825delinsA (p.Gly275Glufs*18) variant alters the translational reading frame of the APC mRNA and is predicted to cause the premature termination of APC protein synthesis. This variant has not been reported in individuals with APC-related conditions in the published literature. This variant has not been reported in large, multi-ethnic general populations (Genome Aggregation Database). Based on the available information, this variant is classified as likely pathogenic.

Ambry Genetics
Classification: Pathogenic for Hereditary cancer-predisposing syndrome. Last evaluated: 2023-12-19. Review status: criteria provided, single submitter. Criteria: Ambry Variant Classification Scheme 2023. Collection method: clinical testing. Allele origin: germline.
Comment: The c.824_825delGTinsA pathogenic mutation, located in coding exon 7 of the APC gene, results from the deletion of two nucleotides and insertion of one nucleotide causing a translational frameshift with a predicted alternate stop codon (p.G275Efs*18). This alteration is expected to result in loss of function by premature protein truncation or nonsense-mediated mRNA decay. As such, this alteration is interpreted as a disease-causing mutation.

Myriad Genetics, Inc.
Classification: Pathogenic for Familial adenomatous polyposis 1. Last evaluated: 2023-04-27. Review status: criteria provided, single submitter. Criteria: Myriad Autosomal Dominant, Autosomal Recessive and X-Linked Classification Criteria (2023). Collection method: clinical testing. Allele origin: unknown.
Comment: This variant is considered pathogenic. This variant creates a frameshift predicted to result in premature protein truncation.